The following is an entry in ClinVar:

ClinVar aggregate classification (germline): Uncertain significance (1 of 4 stars; one submission).

gnomAD v4.1: 18 of 1,209,577 alleles (0.0015%); highest among the groups gnomAD compares: Admixed American, 0.0065%; no homozygotes.

Submission:

Labcorp Genetics (formerly Invitae), Labcorp
Classification: Uncertain significance. Last evaluated: 2024-07-31. Review status: criteria provided, single submitter. Criteria: Invitae Variant Classification Sherloc (09022015). Collection method: clinical testing. Allele origin: germline.
Comment: This sequence change replaces asparagine, which is neutral and polar, with serine, which is neutral and polar, at codon 4192 of the HUWE1 protein (p.Asn4192Ser). This variant is present in population databases (rs782535308, gnomAD 0.01%), including at least one homozygous and/or hemizygous individual. This variant has not been reported in the literature in individuals affected with HUWE1-related conditions. Advanced modeling of protein sequence and biophysical properties (such as structural, functional, and spatial information, amino acid conservation, physicochemical variation, residue mobility, and thermodynamic stability) performed at Invitae indicates that this missense variant is expected to disrupt HUWE1 protein function with a positive predictive value of 95%. In summary, the available evidence is currently insufficient to determine the role of this variant in disease. Therefore, it has been classified as a Variant of Uncertain Significance.

NM_031407.7(HUWE1):c.12575A>G (p.Asn4192Ser)

Gene: HUWE1 (HECT, UBA and WWE domain containing E3 ubiquitin protein ligase 1; minus strand). Cytogenetic location: Xp11.22.
Variant type: single nucleotide variant.
Coding change: c.12575A>G on transcript NM_031407.7 (MANE Select); coding-DNA position 12575, A replaced by G.
Protein change: p.Asn4192Ser; replaces asparagine 4192 with serine.
Molecular consequence: missense variant.
Genome position (GRCh38, 1-based): chrX:53,535,458, T>C on the plus strand (A>G on the coding strand, the complement: HUWE1 is on the minus strand). VCF-style: chrX-53535458-T-C. GRCh37 (hg19) VCF-style: chrX-53562419-T-C.
Other names: short protein forms N4192S.
Identifiers: ClinVar variation 3631133 (VCV003631133.2).